The following is an entry in ClinVar:

NM_015354.3(NUP188):c.1516+1G>T

Gene: NUP188 (nucleoporin 188; plus strand). Cytogenetic location: 9q34.11.
Variant type: single nucleotide variant.
Coding change: c.1516+1G>T on transcript NM_015354.3 (MANE Select); the canonical splice donor site of the intron after coding-DNA position 1516, G replaced by T.
Molecular consequence: splice donor variant.
Genome position (GRCh38, 1-based): chr9:128,981,391, G>T. VCF-style: chr9-128981391-G-T. GRCh37 (hg19) VCF-style: chr9-131743670-G-T.
Identifiers: ClinVar variation 1806790 (VCV001806790.1), dbSNP rs1455161894, ClinGen allele CA375088295.

ClinVar aggregate classification (germline): Likely pathogenic (1 of 4 stars; one submission).

gnomAD v4.1: 1 of 1,598,260 alleles (0.000063%); no homozygotes.

Submission:

GeneDx
Classification: Likely pathogenic. Last evaluated: 2022-06-20. Review status: criteria provided, single submitter. Criteria: GeneDx Variant Classification Process June 2021. Collection method: clinical testing. Allele origin: germline. Affected: yes.
Comment: Canonical splice site variant predicted to result in a null allele in a gene for which loss of function is a known mechanism of disease; Not observed at significant frequency in large population cohorts (gnomAD); Has not been previously published as pathogenic or benign to our knowledge